The following is an entry in ClinVar:

ClinVar aggregate classification (germline): Uncertain significance (1 of 4 stars; one submission).

Submission:

GeneDx
Classification: Uncertain significance. Last evaluated: 2024-11-08. Review status: criteria provided, single submitter. Criteria: GeneDx Variant Classification Process June 2021. Collection method: clinical testing. Allele origin: germline. Affected: yes.
Comment: Not observed at significant frequency in large population cohorts (gnomAD); In silico analysis supports that this missense variant has a deleterious effect on protein structure/function; Has not been previously published as pathogenic or benign to our knowledge

NM_004187.5(KDM5C):c.1841C>T (p.Ala614Val)

Gene: KDM5C (lysine demethylase 5C; minus strand). Cytogenetic location: Xp11.22.
Variant type: single nucleotide variant.
Coding change: c.1841C>T on transcript NM_004187.5 (MANE Select); coding-DNA position 1841, C replaced by T.
Protein change: p.Ala614Val; replaces alanine 614 with valine.
Molecular consequence: missense variant. On other transcripts: non-coding transcript variant (3).
Genome position (GRCh38, 1-based): chrX:53,201,879, G>A on the plus strand (C>T on the coding strand, the complement: KDM5C is on the minus strand). VCF-style: chrX-53201879-G-A. GRCh37 (hg19) VCF-style: chrX-53231061-G-A.
Other names: c.1640C>T, p.Ala547Val (NM_001146702.2); c.1838C>T, p.Ala613Val (NM_001282622.3, NM_001353979.2, NM_001353982.2); c.1841C>T, p.Ala614Val (NM_001353978.3, NM_001353981.2, NM_001353984.2); short protein forms A547V, A613V, A614V.
Identifiers: ClinVar variation 3899013 (VCV003899013.1).